The following is an entry in ClinVar:

ClinVar aggregate classification (germline): Uncertain significance (1 of 4 stars; one submission).

Conditions:
Inborn genetic diseases. Identifiers: MedGen C0950123, MeSH D030342.

Allele frequency attached by ClinVar (database versions not stated): TOPMed below 0.00001.

Submission:

Ambry Genetics
Classification: Uncertain significance for Inborn genetic diseases. Last evaluated: 2021-08-04. Review status: criteria provided, single submitter. Criteria: Ambry Variant Classification Scheme 2023. Collection method: clinical testing. Allele origin: germline.
Comment: The p.R373G variant (also known as c.1117C>G), located in coding exon 2 of the EGR2 gene, results from a C to G substitution at nucleotide position 1117. The arginine at codon 373 is replaced by glycine, an amino acid with dissimilar properties. This amino acid position is conserved. In addition, this alteration is predicted to be tolerated by in silico analysis. Since supporting evidence is limited at this time, the clinical significance of this alteration remains unclear.

NM_000399.5(EGR2):c.1117C>G (p.Arg373Gly)

Gene: EGR2 (early growth response 2; minus strand). Cytogenetic location: 10q21.3.
Variant type: single nucleotide variant.
Coding change: c.1117C>G on transcript NM_000399.5 (MANE Select); coding-DNA position 1117, C replaced by G.
Protein change: p.Arg373Gly; replaces arginine 373 with glycine.
Molecular consequence: missense variant.
Genome position (GRCh38, 1-based): chr10:62,813,521, G>C on the plus strand (C>G on the coding strand, the complement: EGR2 is on the minus strand). VCF-style: chr10-62813521-G-C. GRCh37 (hg19) VCF-style: chr10-64573281-G-C.
Other names: c.1117C>G, p.Arg373Gly (NM_001136177.3, NM_001136178.2); c.967C>G, p.Arg323Gly (NM_001136179.3, NM_001321037.2); c.1156C>G, p.Arg386Gly (NM_001410931.1); short protein forms R323G, R373G, R386G.
Identifiers: ClinVar variation 1796529 (VCV001796529.2), dbSNP rs1842170148, ClinGen allele CA377027652.